The following is an entry in ClinVar:

ClinVar aggregate classification (germline): Likely benign (1 of 4 stars; one submission).

Submission:

CeGaT Center for Human Genetics Tuebingen
Classification: Likely benign. Last evaluated: 2022-06-01. Review status: criteria provided, single submitter. Criteria: CeGaT Center For Human Genetics Tuebingen Variant Classification Criteria Version 2. Collection method: clinical testing. Allele origin: germline. Affected: yes. Observed: 1 variant allele.
Comment: ASCC1: PM2:Supporting, BP4, BP7

NM_001198800.3(ASCC1):c.42G>A (p.Arg14=)

Gene: ASCC1 (activating signal cointegrator 1 complex subunit 1; minus strand). Cytogenetic location: 10q22.1.
Variant type: single nucleotide variant.
Coding change: c.42G>A on transcript NM_001198800.3 (MANE Select); coding-DNA position 42, G replaced by A.
Protein change: p.Arg14=; no amino-acid change (arginine 14 retained).
Molecular consequence: synonymous variant. On other transcripts: 5 prime UTR variant (5), non-coding transcript variant (1).
Genome position (GRCh38, 1-based): chr10:72,213,257, C>T on the plus strand (G>A on the coding strand, the complement: ASCC1 is on the minus strand). VCF-style: chr10-72213257-C-T. GRCh37 (hg19) VCF-style: chr10-73973015-C-T.
Other names: c.42G>A, p.Arg14= (NM_001198798.2, NM_001198799.3, NM_001369087.1 and 19 more transcripts); c.108G>A, p.Arg36= (NM_001369085.1, NM_001369086.1, NM_001369099.1); c.-174G>A (NM_001369101.1, NM_001369102.1, NM_001369105.1 and 2 more transcripts).
Identifiers: ClinVar variation 2640577 (VCV002640577.24), dbSNP rs2494484737, ClinGen allele CA470072170.